The following is an entry in ClinVar:

ClinVar aggregate classification (germline): Uncertain significance (1 of 4 stars; one submission).

Conditions:
Dyskeratosis congenita, autosomal dominant 2. Identifiers: MedGen C3151443, MONDO:0013521, OMIM 613989.
Idiopathic Pulmonary Fibrosis. Also called: Idiopathic fibrosing alveolitis, chronic form; idiopathic fibrosing alveolitis. Identifiers: Orphanet 2032, MedGen C1800706, MeSH D054990, MONDO:0800504.

Submission:

Labcorp Genetics (formerly Invitae), Labcorp
Classification: Uncertain significance for Dyskeratosis congenita, autosomal dominant 2; Idiopathic Pulmonary Fibrosis. Last evaluated: 2023-08-11. Review status: criteria provided, single submitter. Criteria: Invitae Variant Classification Sherloc (09022015). Collection method: clinical testing. Allele origin: germline.
Comment: In summary, the available evidence is currently insufficient to determine the role of this variant in disease. Therefore, it has been classified as a Variant of Uncertain Significance. Advanced modeling of protein sequence and biophysical properties (such as structural, functional, and spatial information, amino acid conservation, physicochemical variation, residue mobility, and thermodynamic stability) performed at Invitae indicates that this missense variant is expected to disrupt TERT protein function. This variant has not been reported in the literature in individuals affected with TERT-related conditions. This variant is not present in population databases (gnomAD no frequency). This sequence change replaces serine, which is neutral and polar, with arginine, which is basic and polar, at codon 134 of the TERT protein (p.Ser134Arg).

NM_198253.3(TERT):c.402C>G (p.Ser134Arg)

Gene: TERT (telomerase reverse transcriptase; minus strand). Cytogenetic location: 5p15.33.
Variant type: single nucleotide variant.
Coding change: c.402C>G on transcript NM_198253.3 (MANE Select); coding-DNA position 402, C replaced by G.
Protein change: p.Ser134Arg; replaces serine 134 with arginine.
Molecular consequence: missense variant. On other transcripts: non-coding transcript variant (2).
Genome position (GRCh38, 1-based): chr5:1,294,484, G>C on the plus strand (C>G on the coding strand, the complement: TERT is on the minus strand). VCF-style: chr5-1294484-G-C. GRCh37 (hg19) VCF-style: chr5-1294599-G-C.
Other names: c.402C>G, p.Ser134Arg (NM_001193376.3, NM_003219.1); short protein forms S134R.
Identifiers: ClinVar variation 2950887 (VCV002950887.3), dbSNP rs1346841144, ClinGen allele CA359058105.